The following is an entry in ClinVar:

ClinVar aggregate classification (germline): Likely pathogenic (0 of 4 stars; one submission).

Conditions:
Vitamin K-dependent clotting factors, combined deficiency of, type 1. Also called: FACTORS II, VII, IX, AND X, COMBINED DEFICIENCY OF; FAMILIAL MULTIPLE COAGULATION FACTOR DEFICIENCY III; FMFD III; GLUTAMIC ACID, DEFICIENT GAMMA-CARBOXYLATION OF; MULTIPLE COAGULATION FACTOR DEFICIENCY III; VITAMIN K-DEPENDENT COAGULATION DEFECT. Identifiers: Orphanet 98434, MedGen C1848534, MONDO:0010187, OMIM 277450.

Submission:

Qiaoli Li laboratory, Thomas Jefferson University
Classification: Likely pathogenic for Vitamin K-dependent clotting factors, combined deficiency of, type 1. Review status: no assertion criteria provided. Collection method: research. Allele origin: germline. Affected: yes.
Comment: The c.1426C>G, p.Arg476Gly variant has MAF less than 0.0007% in general population databases (1000 Genomes Project, Exome Variant Server, and Genome Aggregation Database), indicating it is not a common polymorphism. While c.1426C>G, p.Arg476Gly, is not previously reported, two variants at the same amino acid, c.1426C>T, p.Arg476Cys, and c.1427G>A, p.Arg476His, have been previously reported as pathogenic variants in patients with PXE-like phenotypes with multiple coagulation factor deficiency (Vanakker et al., 2007, Watzka et al., 2014). Functional studies of the variant proteins at the same amino acid, p.Arg476Cys and p.Arg476His, demonstrate abolished carboxylation of vitamin K-dependent proteins, which is critical for blood coagulation, vascular calcification, and bone metabolism (Ghosh 2021, Hao 2021). Based on available information, the c.1426C>G, p.Arg476Gly variant is considered likely pathogenic. REFERENCES Ghosh S et al. GGCX mutations show different responses to vitamin K thereby determining the severity of the hemorrhagic phenotype in VKCFD1 patients. 2021 Jun;19(6):1412-1424. PMID: 33590680. Hao Z et al. γ-Glutamyl carboxylase mutations differentially affect the biological function of vitamin K-dependent proteins. 2021 Jan 28;137(4):533-543. PMID: 33507293. Vanakker et al. Pseudoxanthoma elasticum-like phenotype with cutis laxa and multiple coagulation factor deficiency represents a separate genetic entity. J Invest Dermatol, 127, 581-7. Watzka et al. Bleeding and non-bleeding phenotypes in patients with GGCX gene mutations. Thromb Res, 134, 856-65.

NM_000821.7(GGCX):c.1426C>G (p.Arg476Gly)

Gene: GGCX (gamma-glutamyl carboxylase; minus strand). Cytogenetic location: 2p11.2.
Variant type: single nucleotide variant.
Coding change: c.1426C>G on transcript NM_000821.7 (MANE Select); coding-DNA position 1426, C replaced by G.
Protein change: p.Arg476Gly; replaces arginine 476 with glycine.
Molecular consequence: missense variant.
Genome position (GRCh38, 1-based): chr2:85,552,429, G>C on the plus strand (C>G on the coding strand, the complement: GGCX is on the minus strand). VCF-style: chr2-85552429-G-C. GRCh37 (hg19) VCF-style: chr2-85779552-G-C.
Other names: c.1255C>G, p.Arg419Gly (NM_001142269.4); short protein forms R476G, R419G.
Identifiers: ClinVar variation 3335889 (VCV003335889.2).
Genomic context (GRCh38, chr2:85,552,429, plus strand): 5'-AAAGAACTGTGCTTCATTTTTTCCCACTCTCTGCTCCCCTTGCCCACCTCTGCTGGAAGC[G>C]GTCATTGATGGAGACCCAAATATCAAAGTAGATCTGGGGCTCAGTGACATTATACTTGGG-3'
Protein context (NP_000812.2, residues 466-486): YFDIWVSIND[Arg476Gly]FQQRIFDPRV